The following is an entry in ClinVar:

NM_001001331.4(ATP2B2):c.3337G>A (p.Val1113Met)

Gene: ATP2B2 (ATPase plasma membrane Ca2+ transporting 2; minus strand). Cytogenetic location: 3p25.3.
Variant type: single nucleotide variant.
Coding change: c.3337G>A on transcript NM_001001331.4 (MANE Select); coding-DNA position 3337, G replaced by A.
Protein change: p.Val1113Met; replaces valine 1113 with methionine.
Molecular consequence: missense variant.
Genome position (GRCh38, 1-based): chr3:10,338,259, C>T on the plus strand (G>A on the coding strand, the complement: ATP2B2 is on the minus strand). VCF-style: chr3-10338259-C-T. GRCh37 (hg19) VCF-style: chr3-10379943-C-T.
Other names: c.3202G>A, p.Val1068Met (NM_001330611.3, NM_001353564.1, NM_001363862.1 and 1 more transcripts); short protein forms V1068M, V1113M.
Identifiers: ClinVar variation 1918196 (VCV001918196.6), dbSNP rs765812045, ClinGen allele CA2253127.

ClinVar aggregate classification (germline): Uncertain significance. Review status: criteria provided, multiple submitters, no conflicts (2 of 4 stars). 2 submissions from 2 submitters: Uncertain significance (2). Last evaluated 2022-09-05.

Allele frequency attached by ClinVar (database versions not stated): TOPMed below 0.00001; gnomAD 0.00001; gnomAD exomes 0.00001; ExAC 0.00002.
gnomAD v4.1: 25 of 1,614,162 alleles (0.0015%); highest among the groups gnomAD compares: Middle Eastern, 0.016%; no homozygotes.

Submissions (2):

Labcorp Genetics (formerly Invitae), Labcorp
Classification: Uncertain significance. Last evaluated: 2022-09-05. Review status: criteria provided, single submitter. Criteria: Invitae Variant Classification Sherloc (09022015). Collection method: clinical testing. Allele origin: germline.
Comment: In summary, the available evidence is currently insufficient to determine the role of this variant in disease. Therefore, it has been classified as a Variant of Uncertain Significance. Advanced modeling of protein sequence and biophysical properties (such as structural, functional, and spatial information, amino acid conservation, physicochemical variation, residue mobility, and thermodynamic stability) performed at Invitae indicates that this missense variant is not expected to disrupt ATP2B2 protein function. This variant has not been reported in the literature in individuals affected with ATP2B2-related conditions. This variant is present in population databases (rs765812045, gnomAD 0.003%). This sequence change replaces valine, which is neutral and non-polar, with methionine, which is neutral and non-polar, at codon 1068 of the ATP2B2 protein (p.Val1068Met).

Breakthrough Genomics
Classification: Uncertain significance. Review status: criteria provided, single submitter. Criteria: ACMG Guidelines, 2015. Collection method: not provided. Allele origin: germline. Inheritance: Autosomal recessive inheritance. Affected: yes.